The following is an entry in ClinVar:

ClinVar aggregate classification (germline): Uncertain significance. Review status: criteria provided, multiple submitters, no conflicts (2 of 4 stars). 2 submissions from 2 submitters: Uncertain significance (2). Last evaluated 2025-11-22.

Conditions:
TTN-related disorder. Also called: TTN-related condition; TTN-related disease; TTN-related disorders.

gnomAD v4.1: 16 of 1,596,974 alleles (0.001%); highest among the groups gnomAD compares: Admixed American, 0.0035%; no homozygotes.

Submissions (2):

PreventionGenetics, part of Exact Sciences
Classification: Uncertain significance for TTN-related condition. Last evaluated: 2025-11-22. Review status: criteria provided, single submitter. Criteria: ACMG Guidelines, 2015. Collection method: clinical testing. Allele origin: germline.
Comment: The TTN c.83417G>A variant is predicted to result in the amino acid substitution p.Arg27806Gln. To our knowledge, this variant has not been reported in the literature. This variant is reported in 0.0063% of alleles in individuals of Latino descent in gnomAD. At this time, the clinical significance of this variant is uncertain due to the absence of conclusive functional and genetic evidence.

Mayo Clinic Laboratories, Mayo Clinic
Classification: Uncertain significance. Last evaluated: 2025-09-18. Review status: criteria provided, single submitter. Criteria: ACMG Guidelines, 2015. Collection method: clinical testing. Allele origin: germline. Observed: 1 variant allele.

NM_001267550.2(TTN):c.83417G>A (p.Arg27806Gln)

Genes: TTN (titin; minus strand), TTN-AS1 (TTN antisense RNA 1; plus strand). Cytogenetic location: 2q31.2.
Variant type: single nucleotide variant.
Coding change: c.83417G>A on transcript NM_001267550.2 (MANE Select); coding-DNA position 83417, G replaced by A.
Protein change: p.Arg27806Gln; replaces arginine 27806 with glutamine.
Molecular consequence: missense variant.
Genome position (GRCh38, 1-based): chr2:178,562,715, C>T on the plus strand (G>A on the coding strand, the complement: TTN is on the minus strand). VCF-style: chr2-178562715-C-T. GRCh37 (hg19) VCF-style: chr2-179427442-C-T.
Other names: p.Arg25238Gln; c.78494G>A, p.Arg26165Gln (NM_001256850.1); c.56222G>A, p.Arg18741Gln (NM_003319.4); c.75713G>A, p.Arg25238Gln (NM_133378.4); c.56597G>A, p.Arg18866Gln (NM_133432.3); c.56798G>A, p.Arg18933Gln (NM_133437.4); short protein forms R26165Q, R25238Q, R18741Q, R18866Q, R27806Q, R18933Q.
Identifiers: ClinVar variation 4540713 (VCV004540713.2).